The following is an entry in ClinVar:

NM_001042492.3(NF1):c.204+6T>G

Gene: NF1 (neurofibromin 1; plus strand). Cytogenetic location: 17q11.2.
Variant type: single nucleotide variant.
Coding change: c.204+6T>G on transcript NM_001042492.3 (MANE Select); 6 bases into the intron after coding-DNA position 204, T replaced by G.
Molecular consequence: intron variant.
Genome position (GRCh38, 1-based): chr17:31,156,132, T>G. VCF-style: chr17-31156132-T-G. GRCh37 (hg19) VCF-style: chr17-29483150-T-G.
Other names: c.204+6T>G (NM_000267.4, NM_001128147.3).
Identifiers: ClinVar variation 457560 (VCV000457560.9), dbSNP rs1555604948, ClinGen allele CA658658575.

ClinVar aggregate classification (germline): Uncertain significance. Review status: criteria provided, multiple submitters, no conflicts (2 of 4 stars). 3 submissions from 3 submitters: Uncertain significance (3). Last evaluated 2026-03-23.

Conditions:
NF1-related disorder. Also called: NF1-related condition. Identifiers: MedGen CN379171.
Cardiovascular phenotype. Identifiers: MedGen CN230736.
Hereditary cancer-predisposing syndrome. Also called: Tumor predisposition; Hereditary neoplastic syndrome; Neoplastic Syndromes, Hereditary; Hereditary Cancer Syndrome. Identifiers: Orphanet 140162, MedGen C0027672, MeSH D009386, MONDO:0015356.
Neurofibromatosis, type 1 (NF1). Also called: Peripheral type neurofibromatosis; VON RECKLINGHAUSEN DISEASE; NEUROFIBROMATOSIS, TYPE I, SOMATIC; Neurofibromatosis, type I. Identifiers: Orphanet 636, MedGen C0027831, MONDO:0018975, OMIM 162200. Disease mechanism: loss of function.

Allele frequency attached by ClinVar (database versions not stated): TOPMed 0.00001.

Submissions (3):

PreventionGenetics, part of Exact Sciences
Classification: Uncertain significance for NF1-related condition. Last evaluated: 2026-03-23. Review status: criteria provided, single submitter. Criteria: ACMG Guidelines, 2015. Collection method: clinical testing. Allele origin: germline.
Comment: The NF1 c.204+6T>G variant is predicted to interfere with splicing. This variant is predicted to impact splicing based on splicing prediction programs (Alamut Visual Plus v1.13). However, the use of computer prediction programs is not equivalent to functional evidence. To our knowledge, this variant has not been reported in the literature or in a large population database (gnomAD), indicating this variant is rare. This variant is interpreted as uncertain in ClinVar (Variation ID: 457560). Although we suspect that this variant may be benign, at this time, the clinical significance of this variant is uncertain due to the absence of conclusive functional and genetic evidence.

Labcorp Genetics (formerly Invitae), Labcorp
Classification: Uncertain significance for Neurofibromatosis, type 1. Last evaluated: 2025-12-22. Review status: criteria provided, single submitter. Criteria: Invitae Variant Classification Sherloc (09022015). Collection method: clinical testing. Allele origin: germline.
Comment: This sequence change falls in intron 2 of the NF1 gene. It does not directly change the encoded amino acid sequence of the NF1 protein. It affects a nucleotide within the consensus splice site. This variant is not present in population databases (gnomAD no frequency). This variant has not been reported in the literature in individuals affected with NF1-related conditions. ClinVar contains an entry for this variant (Variation ID: 457560). Variants that disrupt the consensus splice site are a relatively common cause of aberrant splicing (PMID: 17576681, 9536098). Algorithms developed to predict the effect of sequence changes on RNA splicing suggest that this variant may create or strengthen a splice site. In summary, the available evidence is currently insufficient to determine the role of this variant in disease. Therefore, it has been classified as a Variant of Uncertain Significance.

Ambry Genetics
Classification: Uncertain significance for Cardiovascular phenotype; Hereditary cancer-predisposing syndrome. Last evaluated: 2020-12-07. Review status: criteria provided, single submitter. Criteria: Ambry Variant Classification Scheme 2023. Collection method: clinical testing. Allele origin: germline.
Comment: The c.204+6T>G intronic alteration consists of a T to G substitution nucleotides after coding exon 2 in the NF1 gene. Based on insufficient or conflicting evidence, the clinical significance of this alteration remains unclear.

Literature cited by the submitters: PubMed 17576681 (cited by Labcorp Genetics (formerly Invitae), Labcorp); PubMed 9536098 (cited by Labcorp Genetics (formerly Invitae), Labcorp).